The following is an entry in ClinVar:

ClinVar aggregate classification (germline): Uncertain significance. Review status: criteria provided, multiple submitters, no conflicts (2 of 4 stars). 2 submissions from 2 submitters: Uncertain significance (2). Last evaluated 2025-11-02.

Conditions:
Hereditary cancer-predisposing syndrome. Also called: Neoplastic Syndromes, Hereditary; Hereditary Cancer Syndrome; Tumor predisposition; Hereditary neoplastic syndrome. Identifiers: Orphanet 140162, MedGen C0027672, MeSH D009386, MONDO:0015356.
Multiple endocrine neoplasia, type 2 (MEN2). Identifiers: Orphanet 653, MedGen C4048306, MONDO:0019003. Disease mechanism: gain of function.

Submissions (2):

Ambry Genetics
Classification: Uncertain significance for Hereditary cancer-predisposing syndrome. Last evaluated: 2025-11-02. Review status: criteria provided, single submitter. Criteria: Ambry Variant Classification Scheme 2023. Collection method: clinical testing. Allele origin: germline.
Comment: The p.R234W variant (also known as c.700C>T), located in coding exon 4 of the RET gene, results from a C to T substitution at nucleotide position 700. The arginine at codon 234 is replaced by tryptophan, an amino acid with dissimilar properties. This amino acid position is conserved. In addition, this alteration is predicted to be tolerated by in silico analysis. Based on the available evidence, the clinical significance of this variant remains unclear.

Labcorp Genetics (formerly Invitae), Labcorp
Classification: Uncertain significance for Multiple endocrine neoplasia, type 2. Last evaluated: 2024-12-29. Review status: criteria provided, single submitter. Criteria: Invitae Variant Classification Sherloc (09022015). Collection method: clinical testing. Allele origin: germline.
Comment: This sequence change replaces arginine, which is basic and polar, with tryptophan, which is neutral and slightly polar, at codon 234 of the RET protein (p.Arg234Trp). This variant is not present in population databases (gnomAD no frequency). This variant has not been reported in the literature in individuals affected with RET-related conditions. ClinVar contains an entry for this variant (Variation ID: 1524442). An algorithm developed to predict the effect of missense changes on protein structure and function (PolyPhen-2) suggests that this variant is likely to be tolerated. In summary, the available evidence is currently insufficient to determine the role of this variant in disease. Therefore, it has been classified as a Variant of Uncertain Significance.

NM_020975.6(RET):c.700C>T (p.Arg234Trp)

Gene: RET (ret proto-oncogene; plus strand). Cytogenetic location: 10q11.21.
Variant type: single nucleotide variant.
Coding change: c.700C>T on transcript NM_020975.6 (MANE Select); coding-DNA position 700, C replaced by T.
Protein change: p.Arg234Trp; replaces arginine 234 with tryptophan.
Molecular consequence: missense variant.
Genome position (GRCh38, 1-based): chr10:43,105,026, C>T. VCF-style: chr10-43105026-C-T. GRCh37 (hg19) VCF-style: chr10-43600474-C-T.
Other names: c.700C>T, p.Arg234Trp (NM_000323.2, NM_001406743.1, NM_001406744.1 and 8 more transcripts); c.-63C>T (NM_001355216.2); c.412C>T, p.Arg138Trp (NM_001406770.1, NM_001406766.1, NM_001406767.1); c.571C>T, p.Arg191Trp (NM_001406774.1, NM_001406761.1, NM_001406762.1 and 2 more transcripts); short protein forms R234W, R138W, R191W.
Identifiers: ClinVar variation 1524442 (VCV001524442.10), dbSNP rs2132704554, ClinGen allele CA376544609.